The following is an entry in ClinVar:

ClinVar aggregate classification (germline): Uncertain significance. Review status: criteria provided, multiple submitters, no conflicts (2 of 4 stars). 16 submissions from 16 submitters: Uncertain significance (10). 6 of the submissions do not count toward it. Last evaluated 2026-09-03.

Conditions:
BRCA2-related cancer predisposition. Identifiers: MedGen CN377758, MONDO:0700269.
Hereditary cancer-predisposing syndrome. Also called: Hereditary Cancer Syndrome; Neoplastic Syndromes, Hereditary; Hereditary neoplastic syndrome; Tumor predisposition. Identifiers: Orphanet 140162, MedGen C0027672, MeSH D009386, MONDO:0015356.
BRCA2-related disorder. Also called: BRCA2-related condition; BRCA2-related disorders. Identifiers: MedGen CN239275.
Hereditary breast ovarian cancer syndrome. Also called: Hereditary breast and ovarian cancer syndrome; Breast and ovarian cancer; BRCA1- and BRCA2-Associated Hereditary Breast and Ovarian Cancer; Hereditary breast and/or ovarian cancer syndrome; Hereditary breast and ovarian cancer; Hereditary breast and ovarian cancer syndrome (HBOC). Identifiers: Orphanet 145, MedGen C0677776, MeSH D061325, MONDO:0003582. Disease mechanism: loss of function.
Chordoma. Identifiers: Orphanet 178, MedGen C0008487, MONDO:0008978, HP:0010762.
Breast-ovarian cancer, familial, susceptibility to, 2 (BROVCA2). Also called: BRCA2 Hereditary Breast and Ovarian Cancer. Identifiers: Orphanet 145, MedGen C2675520, MONDO:0012933, OMIM 612555. Disease mechanism: loss of function.
Familial cancer of breast. Also called: hereditary breast carcinoma; BREAST CANCER, FAMILIAL; Hereditary breast cancer. Identifiers: Orphanet 227535, MedGen C0346153, MONDO:0016419, OMIM 114480. Disease mechanism: loss of function.
Malignant tumor of breast. Also called: Malignant breast neoplasm; Cancer breast. Identifiers: MedGen C0006142, MONDO:0007254. Disease mechanism: loss of function.

Allele frequency attached by ClinVar (database versions not stated): ExAC 0.00001; gnomAD exomes 0.00002 and 0.00007; gnomAD 0.00003 and 0.00004; TOPMed 0.00003; ESP Exome Variant Server 0.00008.
gnomAD v4.1: 100 of 1,567,928 alleles (0.0064%); highest among the groups gnomAD compares: Non-Finnish European, 0.0088%; no homozygotes.

Submissions 1 to 5 of 16:

PreventionGenetics, part of Exact Sciences
Classification: Uncertain significance for BRCA2-related condition. Last evaluated: 2026-09-03. Review status: criteria provided, single submitter. Criteria: ACMG Guidelines, 2015. Collection method: clinical testing. Allele origin: germline.
Comment: The BRCA2 c.7010C>T variant is predicted to result in the amino acid substitution p.Thr2337Ile. This variant has been reported in individuals and/or families who met criteria for genetic testing for hereditary breast and/or ovarian cancer syndrome (Gómez-García et al. 2005. PubMed ID: 15800311; Fortuno et al. 2024. PubMed ID: 39402389; Lerner-Ellis et al. 2020. PubMed ID: 32885271; Bhai et al. 2021. PubMed ID: 34326862). This variant is reported in 0.0054% of alleles in individuals of European (Non-Finnish) descent in gnomAD and is classified as uncertain in ClinVar (Variation ID: 52248). Functional studies indicate that this variant does not impact BRCA2 protein function (Xia et al. 2022. PubMed ID: 35762214; Biswas et al. 2023. PubMed ID: 37922907). At this time, the clinical significance of this variant is uncertain due to the absence of conclusive functional and genetic evidence.

Labcorp Genetics (formerly Invitae), Labcorp
Classification: Uncertain significance for Hereditary breast ovarian cancer syndrome. Last evaluated: 2026-01-28. Review status: criteria provided, single submitter. Criteria: Invitae Variant Classification Sherloc (09022015). Collection method: clinical testing. Allele origin: germline.
Comment: This sequence change replaces threonine, which is neutral and polar, with isoleucine, which is neutral and non-polar, at codon 2337 of the BRCA2 protein (p.Thr2337Ile). This variant is present in population databases (rs80358927, gnomAD 0.004%). This missense change has been observed in individual(s) with hereditary breast and ovarian cancer and in individuals in the Breast Cancer Information Core database. However, in one of these individuals a pathogenic variant was also identified in BRCA1, which suggests that this c.7010C>T BRCA2 variant was not the primary cause of disease (PMID: 10923033, 15800311, 16683254, 27376475). ClinVar contains an entry for this variant (Variation ID: 52248). An algorithm developed to predict the effect of missense changes on protein structure and function outputs the following: PolyPhen-2: "Benign". The isoleucine amino acid residue is found in multiple mammalian species, which suggests that this missense change does not adversely affect protein function. Experimental studies have shown that this missense change does not substantially affect BRCA2 function (PMID: 35762214, 37922907). In summary, the available evidence is currently insufficient to determine the role of this variant in disease. Therefore, it has been classified as a Variant of Uncertain Significance.

Women's Health and Genetics/Laboratory Corporation of America, LabCorp
Classification: Uncertain significance. Last evaluated: 2025-10-03. Review status: criteria provided, single submitter. Criteria: LabCorp Variant Classification Summary - May 2015. Collection method: clinical testing. Allele origin: germline.
Comment: Variant summary: BRCA2 c.7010C>T (p.Thr2337Ile) results in a non-conservative amino acid change in the encoded protein sequence. Algorithms developed to predict the effect of missense changes on protein structure and function are either unavailable or do not agree on the potential impact of this missense change. Consensus agreement among computation tools predict no significant impact on normal splicing. However, these predictions have yet to be confirmed by functional studies. The variant allele was found at a frequency of 2e-05 in 250362 control chromosomes. The available data on variant occurrences in the general population are insufficient to allow any conclusion about variant significance. c.7010C>T has been observed in individuals affected with or suspeted of Hereditary Breast And Ovarian Cancer Syndrome (e.g. Gomez-Garcia_2005, van der Hout_2006, Kanchi_2014). These report(s) do not provide unequivocal conclusions about association of the variant with Hereditary Breast And Ovarian Cancer Syndrome. A co-occurrence with a pathogenic variant has been reported (BRCA1 c.2331T>A, p.Tyr777X; Myriad BIC database), providing supporting evidence for a benign role. At least one publication reports experimental evidence evaluating an impact on protein function. These results showed no damaging effect of this variant based on assays for cell viability and drug senitivity (Biswas_2023). The following publications have been ascertained in the context of this evaluation (PMID: 37922907, 15800311, 24448499, 16683254). ClinVar contains an entry for this variant (Variation ID: 52248). Based on the evidence outlined above, the variant was classified as uncertain significance.

Quest Diagnostics Nichols Institute San Juan Capistrano
Classification: Uncertain significance. Last evaluated: 2025-03-27. Review status: criteria provided, single submitter. Criteria: Quest Diagnostics criteria. Collection method: clinical testing. Allele origin: unknown.
Comment: The BRCA2 c.7010C>T (p.Thr2337Ile) variant has been reported in the published literature in affected individuals and families with breast and/or ovarian cancer (PMIDs: 15800311 (2005), 16683254 (2006), 27376475 (2016), 32885271 (2021), 33471991 (2021), 34326862 (2021), and 39402389 (2024)), as well as in a reportedly unaffected individual in a large scale breast cancer association study (PMID: 33471991 (2021), see also LOVD). This variant was also described in a multifactorial likelihood study (PMID: 31131967 (2019)), and a functional study has reported that this variant does not significantly affect BRCA2 protein (PMID 37922907 (2023)). The frequency of this variant in the general population (Genome Aggregation Database) is uninformative in the assessment of its pathogenicity. Analysis of this variant using bioinformatics tools for the prediction of the effect of amino acid changes on protein structure and function yielded predictions that this variant is benign. Based on the available information, we are unable to determine the clinical significance of this variant.

Ambry Genetics
Classification: Uncertain significance for Hereditary cancer-predisposing syndrome. Last evaluated: 2025-02-20. Review status: criteria provided, single submitter. Criteria: Ambry Variant Classification Scheme 2023. Collection method: clinical testing. Allele origin: germline.
Comment: The p.T2337I variant (also known as c.7010C>T), located in coding exon 13 of the BRCA2 gene, results from a C to T substitution at nucleotide position 7010. The threonine at codon 2337 is replaced by isoleucine, an amino acid with similar properties. This variant has been reported in multiple individuals and/or families who met eligibility criteria for hereditary breast and/or ovarian cancer syndrome (G&oacute;mez-Garc&iacute;a EB et al. J Clin Oncol, 2005 Apr;23:2185-90; van der Hout AH et al. Hum Mutat, 2006 Jul;27:654-66; Schenkel LC et al. J Mol Diagn, 2016 09;18:657-667; Lerner-Ellis J et al. J Cancer Res Clin Oncol, 2021 Mar;147:871-879). This amino acid position is not well conserved in available vertebrate species. In addition, the in silico prediction for this alteration is inconclusive. Since supporting evidence is limited at this time, the clinical significance of this alteration remains unclear.

NM_000059.4(BRCA2):c.7010C>T (p.Thr2337Ile)

Gene: BRCA2 (BRCA2 DNA repair associated; plus strand). Cytogenetic location: 13q13.1.
Variant type: single nucleotide variant.
Coding change: c.7010C>T on transcript NM_000059.4 (MANE Select); coding-DNA position 7010, C replaced by T.
Protein change: p.Thr2337Ile; replaces threonine 2337 with isoleucine.
Molecular consequence: missense variant.
Genome position (GRCh38, 1-based): chr13:32,354,863, C>T. VCF-style: chr13-32354863-C-T. GRCh37 (hg19) VCF-style: chr13-32929000-C-T.
Other names: p.T2337I:ACA>ATA; short protein forms T2337I.
Identifiers: ClinVar variation 52248 (VCV000052248.42), dbSNP rs80358927, ClinGen allele CA024752.